The following is an entry in ClinVar:

ClinVar aggregate classification (germline): Uncertain significance (1 of 4 stars; one submission).

Conditions:
Hereditary cancer-predisposing syndrome. Also called: Hereditary neoplastic syndrome; Neoplastic Syndromes, Hereditary; Tumor predisposition; Hereditary Cancer Syndrome. Identifiers: Orphanet 140162, MedGen C0027672, MeSH D009386, MONDO:0015356.

Submission:

Ambry Genetics
Classification: Uncertain significance for Hereditary cancer-predisposing syndrome. Last evaluated: 2025-08-27. Review status: criteria provided, single submitter. Criteria: Ambry Variant Classification Scheme 2023. Collection method: clinical testing. Allele origin: germline.
Comment: The p.R27W variant (also known as c.79A>T), located in coding exon 2 of the MUTYH gene, results from an A to T substitution at nucleotide position 79. The arginine at codon 27 is replaced by tryptophan, an amino acid with dissimilar properties. This amino acid position is conserved. In addition, this alteration is predicted to be tolerated by in silico analysis. Based on the available evidence, the clinical significance of this variant remains unclear.

NM_001048174.2(MUTYH):c.37A>T (p.Arg13Trp)

Gene: MUTYH (mutY DNA glycosylase; minus strand). Cytogenetic location: 1p34.1.
Variant type: single nucleotide variant.
Coding change: c.37A>T on transcript NM_001048174.2 (MANE Select); coding-DNA position 37, A replaced by T.
Protein change: p.Arg13Trp; replaces arginine 13 with tryptophan.
Molecular consequence: missense variant. On other transcripts: 5 prime UTR variant (7), non-coding transcript variant (7).
Genome position (GRCh38, 1-based): chr1:45,334,469, T>A on the plus strand (A>T on the coding strand, the complement: MUTYH is on the minus strand). VCF-style: chr1-45334469-T-A. GRCh37 (hg19) VCF-style: chr1-45800141-T-A.
Other names: c.37A>T, p.Arg13Trp (NM_001048171.2, NM_001048172.2, NM_001048173.2 and 15 more transcripts); c.79A>T, p.Arg27Trp (NM_001128425.2, NM_001293190.2, NM_001407069.1 and 2 more transcripts); c.-176A>T (NM_001293192.2, NM_001293196.2, NM_001407091.1); c.-235A>T (NM_001350650.2); c.-171A>T (NM_001350651.2, NM_001407082.1); c.-120A>T (NM_001407075.1); c.55A>T, p.Arg19Trp (NM_001407087.1); short protein forms R19W, R13W, R27W.
Identifiers: ClinVar variation 4113848 (VCV004113848.1).